The following is an entry in ClinVar:

ClinVar aggregate classification (germline): Pathogenic (1 of 4 stars; one submission).

Submission:

Labcorp Genetics (formerly Invitae), Labcorp
Classification: Pathogenic. Last evaluated: 2025-03-24. Review status: criteria provided, single submitter. Criteria: Invitae Variant Classification Sherloc (09022015). Collection method: clinical testing. Allele origin: germline.
Comment: This sequence change creates a premature translational stop signal (p.Glu25*) in the ATR gene. It is expected to result in an absent or disrupted protein product. Loss-of-function variants in ATR are known to be pathogenic (PMID: 21228398, 23144622). This variant is not present in population databases (gnomAD no frequency). This variant has not been reported in the literature in individuals affected with ATR-related conditions. Algorithms developed to predict the effect of sequence changes on RNA splicing suggest that this variant may disrupt the consensus splice site. For these reasons, this variant has been classified as Pathogenic.

Literature cited by the submitters: PubMed 21228398; PubMed 23144622.

NM_001184.4(ATR):c.73G>T (p.Glu25Ter)

Gene: ATR (ATR checkpoint kinase; minus strand). Cytogenetic location: 3q23.
Variant type: single nucleotide variant.
Coding change: c.73G>T on transcript NM_001184.4 (MANE Select); coding-DNA position 73, G replaced by T.
Protein change: p.Glu25Ter; replaces glutamic acid 25 with a stop codon.
Molecular consequence: nonsense.
Genome position (GRCh38, 1-based): chr3:142,568,141, C>A on the plus strand (G>T on the coding strand, the complement: ATR is on the minus strand). VCF-style: chr3-142568141-C-A. GRCh37 (hg19) VCF-style: chr3-142286983-C-A.
Other names: c.73G>T, p.Glu25Ter (NM_001354579.2); short protein forms E25*.
Identifiers: ClinVar variation 4725784 (VCV004725784.1).
Genomic context (GRCh38, chr3:142,568,141, plus strand): 5'-GTATCCGGTCAATGAATTGACACAGAATTTGTCTTGGCTTCTGTACAACTGTATTATATT[C>A]CTCTGGTGTGGCACTAAAATACAAATTAAAAGCTTTTAATCCTTAAAGTGACTCAGTTTC-3'